The following is an entry in ClinVar:

NM_000441.2(SLC26A4):c.2162C>A (p.Thr721Lys)

Genes: SLC26A4 (solute carrier family 26 member 4; plus strand), LOC123956210 (Sharpr-MPRA regulatory region 3291; plus strand). Cytogenetic location: 7q22.3.
Variant type: single nucleotide variant.
Coding change: c.2162C>A on transcript NM_000441.2 (MANE Select); coding-DNA position 2162, C replaced by A.
Protein change: p.Thr721Lys; replaces threonine 721 with lysine.
Molecular consequence: missense variant.
Genome position (GRCh38, 1-based): chr7:107,710,126, C>A. VCF-style: chr7-107710126-C-A. GRCh37 (hg19) VCF-style: chr7-107350571-C-A.
Other names: short protein forms T721K.
Identifiers: ClinVar variation 1065206 (VCV001065206.2), dbSNP rs121908363, ClinGen allele CA368845842.

ClinVar aggregate classification (germline): Conflicting classifications of pathogenicity. Review status: criteria provided, conflicting classifications (1 of 4 stars). 2 submissions from 2 submitters: Likely pathogenic (1); Uncertain significance (1). Last evaluated 2026-06-24.

Conditions:
Autosomal recessive nonsyndromic hearing loss 4 (DFNB4). Also called: FOXI1-Related Pendred Syndrome; KCNJ10-Related Pendred Syndrome; NEUROSENSORY NONSYNDROMIC RECESSIVE DEAFNESS 4; Deafness, autosomal recessive 4; Deafness, autosomal recessive 4, with enlarged vestibular aqueduct; Nonsyndromic enlarged vestibular aqueduct (NSEVA). Identifiers: Orphanet 90636, MedGen C3538946, MONDO:0010933, OMIM 600791.

Submissions (2):

Women's Health and Genetics/Laboratory Corporation of America, LabCorp
Classification: Uncertain significance. Last evaluated: 2026-06-24. Review status: criteria provided, single submitter. Criteria: LabCorp Variant Classification Summary - May 2015. Collection method: clinical testing. Allele origin: germline.
Comment: Variant summary: SLC26A4 c.2162C>A (p.Thr721Lys) results in a non-conservative amino acid change in the encoded protein sequence. Algorithms developed to predict the effect of missense changes on protein structure and function all suggest that this variant is likely to be disruptive. The variant was absent in 251252 control chromosomes. The available data on variant occurrences in the general population are insufficient to allow any conclusion about variant significance. c.2162C>A has been observed in individual(s) affected with SLC26A4-related conditions (Tian_2021). These data do not allow any conclusion about variant significance. To our knowledge, no experimental evidence demonstrating an impact on protein function has been reported. The following publication has been ascertained in the context of this evaluation (PMID: 34170635). ClinVar contains an entry for this variant (Variation ID: 1065206). Based on the evidence outlined above, the variant was classified as uncertain significance.

Precision Medicine Center, Zhengzhou University
Classification: Likely pathogenic for Autosomal recessive nonsyndromic hearing loss 4. Review status: criteria provided, single submitter. Criteria: ACMG Guidelines, 2015. Collection method: research. Allele origin: germline. Affected: yes.
Comment: PM2: not found in gnomAD PM3_Strong: Pathogenic mutation confirmed in trans in two patients and phase unknown in one patient PP1: Segregation in one affected relative PP3: REVEL score > 0.7 PP4: Patient's phenotype highly specific for gene

Literature cited by the submitters: PubMed 34170635 (cited by Women's Health and Genetics/Laboratory Corporation of America, LabCorp).